The following is an entry in ClinVar:

ClinVar aggregate classification (germline): Likely benign. Review status: criteria provided, single submitter (1 of 4 stars). 2 submissions from 2 submitters: Likely benign (1). 1 of the submissions does not count toward it. Last evaluated 2025-07-30.

Conditions:
Intellectual disability, autosomal recessive 53 (NEDHSCA). Also called: NEURODEVELOPMENTAL DISORDER WITH OR WITHOUT HYPOTONIA, SEIZURES, AND CEREBELLAR ATROPHY; GLYCOSYLPHOSPHATIDYLINOSITOL BIOSYNTHESIS DEFECT 13; Mental retardation, autosomal recessive 53. Identifiers: Orphanet 488635, MedGen C4310794, MONDO:0014832, OMIM 616917.
PIGG-related disorder. Also called: PIGG-related condition.

Allele frequency attached by ClinVar (database versions not stated): gnomAD exomes 0.00006 and 0.00005; TOPMed 0.00007; ExAC 0.00006; gnomAD 0.00009; ESP Exome Variant Server 0.00008.
gnomAD v4.1: 79 of 1,609,296 alleles (0.0049%); highest among the groups gnomAD compares: Admixed American, 0.01%; no homozygotes.

Submissions (2):

Labcorp Genetics (formerly Invitae), Labcorp
Classification: Likely benign for Intellectual disability, autosomal recessive 53. Last evaluated: 2025-07-30. Review status: criteria provided, single submitter. Criteria: Invitae Variant Classification Sherloc (09022015). Collection method: clinical testing. Allele origin: germline.

PreventionGenetics, part of Exact Sciences
Classification: Likely benign for PIGG-related condition. Last evaluated: 2019-05-01. Review status: no assertion criteria provided. Collection method: clinical testing. Allele origin: germline. Not counted in ClinVar's aggregate classification.
Comment: This variant is classified as likely benign based on ACMG/AMP sequence variant interpretation guidelines (Richards et al. 2015 PMID: 25741868, with internal and published modifications).

NM_001127178.3(PIGG):c.756G>A (p.Ser252=)

Gene: PIGG (phosphatidylinositol glycan anchor biosynthesis class G (EMM blood group); plus strand). Cytogenetic location: 4p16.3.
Variant type: single nucleotide variant.
Coding change: c.756G>A on transcript NM_001127178.3 (MANE Select); coding-DNA position 756, G replaced by A.
Protein change: p.Ser252=; no amino-acid change (serine 252 retained).
Molecular consequence: synonymous variant. On other transcripts: 5 prime UTR variant (4), non-coding transcript variant (10), intron variant (1).
Genome position (GRCh38, 1-based): chr4:507,590, G>A. VCF-style: chr4-507590-G-A. GRCh37 (hg19) VCF-style: chr4-501379-G-A.
Other names: c.756G>A (NM_001127178.2); c.489G>A, p.Ser163= (NM_001289051.2, NM_001289053.2, NM_001289057.2 and 2 more transcripts); c.390G>A, p.Ser130= (NM_001289055.2); c.-132G>A (NM_001345988.2); c.756G>A, p.Ser252= (NM_001345989.2, NM_017733.5); c.-870G>A (NM_001345990.2); c.-732G>A (NM_001345991.2); c.-457G>A (NM_001345994.2); and 1 more.
Identifiers: ClinVar variation 1102990 (VCV001102990.11), dbSNP rs371090199, ClinGen allele CA2793078.